The following is an entry in ClinVar:

NM_024675.4(PALB2):c.212-180T>G

Gene: PALB2 (partner and localizer of BRCA2; minus strand). Cytogenetic location: 16p12.2.
Variant type: single nucleotide variant.
Coding change: c.212-180T>G on transcript NM_024675.4 (MANE Select); 180 bases into the intron before coding-DNA position 212, T replaced by G.
Molecular consequence: intron variant.
Genome position (GRCh38, 1-based): chr16:23,636,514, A>C on the plus strand (T>G on the coding strand, the complement: PALB2 is on the minus strand). VCF-style: chr16-23636514-A-C. GRCh37 (hg19) VCF-style: chr16-23647835-A-C.
Identifiers: ClinVar variation 126631 (VCV000126631.3), dbSNP rs515726076, ClinGen allele CA269516.

ClinVar aggregate classification (germline): Likely benign (0 of 4 stars; one submission).

Conditions:
Familial cancer of breast. Also called: BREAST CANCER, FAMILIAL; hereditary breast carcinoma; Hereditary breast cancer. Identifiers: Orphanet 227535, MedGen C0346153, MONDO:0016419, OMIM 114480. Disease mechanism: loss of function.

Submission:

Leiden Open Variation Database
Classification: Likely benign for Familial cancer of breast. Last evaluated: 2019-05-13. Review status: no assertion criteria provided. Collection method: curation. Allele origin: germline. Affected: yes.
Comment: Curators: Marc Tischkowitz, Arleen D. Auerbach. Submitter to LOVD: Marc Tischkowitz.

Literature cited by the submitters: PubMed 23935836.